The following is an entry in ClinVar:

ClinVar aggregate classification (germline): Conflicting classifications of pathogenicity. Review status: criteria provided, conflicting classifications (1 of 4 stars). 8 submissions from 8 submitters: Uncertain significance (1); Likely benign (4). 3 of the submissions do not count toward it. Last evaluated 2025-12-29.

Conditions:
PIEZO1-related disorder. Also called: PIEZO1-related condition; PIEZO1-Related Disorders.
Inborn genetic diseases. Identifiers: MedGen C0950123, MeSH D030342.

Allele frequency attached by ClinVar (database versions not stated): 1000 Genomes Project 0.00020; ExAC 0.00041; gnomAD exomes 0.00047 and 0.00097; TOPMed 0.00054; 1000 Genomes Project 30x 0.00062.
gnomAD v4.1: 1,402 of 1,548,530 alleles (0.091%); highest among the groups gnomAD compares: Non-Finnish European, 0.12%; no homozygotes.

Submissions (8):

Labcorp Genetics (formerly Invitae), Labcorp
Classification: Likely benign. Last evaluated: 2025-12-29. Review status: criteria provided, single submitter. Criteria: Invitae Variant Classification Sherloc (09022015). Collection method: clinical testing. Allele origin: germline.

Ambry Genetics
Classification: Uncertain significance for Inborn genetic diseases. Last evaluated: 2025-09-04. Review status: criteria provided, single submitter. Criteria: Ambry Variant Classification Scheme 2023. Collection method: clinical testing. Allele origin: germline.

ARUP Laboratories, Molecular Genetics and Genomics, ARUP Laboratories
Classification: Likely benign. Last evaluated: 2025-05-07. Review status: criteria provided, single submitter. Criteria: ARUP Molecular Germline Variant Investigation Process 2024. Collection method: clinical testing. Allele origin: germline.

Blueprint Genetics
Classification: Likely benign. Last evaluated: 2024-10-14. Review status: criteria provided, single submitter. Criteria: ACMG Guidelines, 2015. Collection method: clinical testing. Allele origin: germline.

Mayo Clinic Laboratories, Mayo Clinic
Classification: Likely benign. Last evaluated: 2019-08-01. Review status: criteria provided, single submitter. Criteria: ACMG Guidelines, 2015. Collection method: clinical testing. Allele origin: germline. Observed: 3 variant alleles.

PreventionGenetics, part of Exact Sciences
Classification: Uncertain significance for PIEZO1-related condition. Last evaluated: 2024-06-20. Review status: no assertion criteria provided. Collection method: clinical testing. Allele origin: germline. Not counted in ClinVar's aggregate classification.
Comment: The PIEZO1 c.6781A>G variant is predicted to result in the amino acid substitution p.Ser2261Gly. This variant was reported to occur germline along with additional somatic variants in two individuals with suspected myelodysplastic syndrome (Attardi et al. 2023. PubMed ID: 36695705). This variant is reported in 0.11% of alleles in individuals of European (Non-Finnish) descent in gnomAD. Although we suspect that this variant may be benign, at this time, the clinical significance of this variant is uncertain due to the absence of conclusive functional and genetic evidence.

Clinical Genetics DNA and cytogenetics Diagnostics Lab, Erasmus MC, Erasmus Medical Center
Classification: Likely benign. Review status: no assertion criteria provided. Collection method: clinical testing. Allele origin: germline. Affected: yes. Study: VKGL Data-share Consensus. Not counted in ClinVar's aggregate classification.

Laboratory of Diagnostic Genome Analysis, Leiden University Medical Center (LUMC)
Classification: Likely benign. Review status: no assertion criteria provided. Collection method: clinical testing. Allele origin: germline. Affected: yes. Study: VKGL Data-share Consensus. Not counted in ClinVar's aggregate classification.

NM_001142864.4(PIEZO1):c.6781A>G (p.Ser2261Gly)

Gene: PIEZO1 (piezo type mechanosensitive ion channel component 1 (Er blood group); minus strand). Cytogenetic location: 16q24.3.
Variant type: single nucleotide variant.
Coding change: c.6781A>G on transcript NM_001142864.4 (MANE Select); coding-DNA position 6781, A replaced by G.
Protein change: p.Ser2261Gly; replaces serine 2261 with glycine.
Molecular consequence: missense variant.
Genome position (GRCh38, 1-based): chr16:88,716,704, T>C on the plus strand (A>G on the coding strand, the complement: PIEZO1 is on the minus strand). VCF-style: chr16-88716704-T-C. GRCh37 (hg19) VCF-style: chr16-88783112-T-C.
Other names: p.Ser2261Gly; c.6781A>G (NM_001142864.3, NM_001142864.2); short protein forms S2261G.
Identifiers: ClinVar variation 1205971 (VCV001205971.14), dbSNP rs550322372, ClinGen allele CA8231487.
Genomic context (GRCh38, chr16:88,716,704, plus strand): 5'-TGATGCGCCACAGCGCCCCGGAGCTGCCCTCAATCTGCGCCGTGACGATGTCCTCAGGGC[T>C]GTACTGGCTGATGAACTGCATGGCCAGCTGGGTACAAGTGACACCCTCAGTGACTGCAGC-3'
Protein context (NP_001136336.2, residues 2251-2271): PLAMQFISQY[Ser2261Gly]PEDIVTAQIE